The following is an entry in ClinVar:

ClinVar aggregate classification (germline): Conflicting classifications of pathogenicity. Review status: criteria provided, conflicting classifications (1 of 4 stars). 2 submissions from 2 submitters: Likely pathogenic (1); Uncertain significance (1). Last evaluated 2026-05-15.

Submissions (2):

GeneDx
Classification: Likely pathogenic. Last evaluated: 2026-05-15. Review status: criteria provided, single submitter. Criteria: GeneDx Variant Classification Process June 2021. Collection method: clinical testing. Allele origin: germline.
Comment: Not observed at significant frequency in large population cohorts (gnomAD); In silico analysis supports that this missense variant has a deleterious effect on protein structure/function; Has not been previously published as pathogenic or benign to our knowledge

Women's Health and Genetics/Laboratory Corporation of America, LabCorp
Classification: Uncertain significance. Last evaluated: 2025-04-24. Review status: criteria provided, single submitter. Criteria: LabCorp Variant Classification Summary - May 2015. Collection method: clinical testing. Allele origin: germline.
Comment: Variant summary: PCCB c.1544T>G (p.Ile515Ser) results in a non-conservative amino acid change in the encoded protein sequence. Five of five in-silico tools predict a damaging effect of the variant on protein function. The variant was absent in 251276 control chromosomes (gnomAD). The available data on variant occurrences in the general population are insufficient to allow any conclusion about variant significance. To our knowledge, no occurrence of c.1544T>G in individuals affected with Propionic Acidemia and no experimental evidence demonstrating its impact on protein function have been reported. ClinVar contains an entry for this variant (Variation ID: 3391764). Based on the evidence outlined above, the variant was classified as uncertain significance.

NM_000532.5(PCCB):c.1544T>G (p.Ile515Ser)

Gene: PCCB (propionyl-CoA carboxylase subunit beta; plus strand). Cytogenetic location: 3q22.3.
Variant type: single nucleotide variant.
Coding change: c.1544T>G on transcript NM_000532.5 (MANE Select); coding-DNA position 1544, T replaced by G.
Protein change: p.Ile515Ser; replaces isoleucine 515 with serine.
Molecular consequence: missense variant.
Genome position (GRCh38, 1-based): chr3:136,329,950, T>G. VCF-style: chr3-136329950-T-G. GRCh37 (hg19) VCF-style: chr3-136048792-T-G.
Other names: c.1604T>G, p.Ile535Ser (NM_001178014.2); short protein forms I515S, I535S.
Identifiers: ClinVar variation 3391764 (VCV003391764.4).